The following is an entry in ClinVar:

ClinVar aggregate classification (germline): Likely pathogenic (1 of 4 stars; one submission).

Conditions:
Zellweger spectrum disorders (ZS). Also called: Zellweger Spectrum Disorder (ZSD); Zellweger syndrome; Zellweger Spectrum Disorder; Zellweger Spectrum. Identifiers: Orphanet 912, MedGen C0043459, MONDO:0019609.

Submission:

Natera, Inc.
Classification: Likely pathogenic for Zellweger syndrome. Last evaluated: 2026-01-26. Review status: criteria provided, single submitter. Criteria: Natera Variant Classification Schema (03/2026). Collection method: clinical testing. Allele origin: germline.
Comment: The c.13delG variant in PEX10 is a frameshift variant predicted to shift the reading frame beginning at codon 5 and leads to a stop codon 7 codons downstream. This variant is expected to result in nonsense mediated decay, truncation, or a dysfunctional protein product. This variant is rare in the general population with a frequency below the threshold expected for the associated phenotype(s). Given the available evidence, this variant is classified as Likely Pathogenic.

NM_002617.4(PEX10):c.13del (p.Ala5fs)

Gene: PEX10 (peroxisomal biogenesis factor 10; minus strand). Cytogenetic location: 1p36.32.
Variant type: Deletion.
Coding change: c.13del on transcript NM_002617.4 (MANE Select); coding-DNA position 13, one base deleted (G; older notation c.13delG).
Protein change: p.Ala5fs; shifts the reading frame from alanine 5.
Molecular consequence: frameshift variant. On other transcripts: intron variant (2).
Genome position (GRCh38, 1-based): chr1:2,412,490, C deleted on the plus strand (G on the coding strand, the reverse complement: PEX10 is on the minus strand). VCF-style (leftmost placement, unchanged base first): chr1-2412489-GC-G. GRCh37 (hg19) VCF-style: chr1-2343928-GC-G.
Other names: c.13del, p.Ala5fs (NM_001374425.1, NM_153818.2); c.-321+1107del (NM_001374427.1, NM_001374426.1); short protein forms A5fs.
Identifiers: ClinVar variation 4816945 (VCV004816945.1).